The following is an entry in ClinVar:

ClinVar aggregate classification (germline): Likely benign. Review status: criteria provided, multiple submitters, no conflicts (2 of 4 stars). 3 submissions from 3 submitters: Likely benign (3). Last evaluated 2026-06-01.

Conditions:
Epileptic encephalopathy. Identifiers: MedGen C0543888, HP:0200134.

Allele frequency attached by ClinVar (database versions not stated): gnomAD exomes 0.00001 and 0.00006; ExAC 0.00008; gnomAD 0.00012 and 0.00013; TOPMed 0.00012; 1000 Genomes Project 0.00020; 1000 Genomes Project 30x 0.00031; ESP Exome Variant Server 0.00031.
gnomAD v4.1: 34 of 1,596,410 alleles (0.0021%); highest among the groups gnomAD compares: African/African-American, 0.036%; no homozygotes.

Submissions (3):

CeGaT Center for Human Genetics Tuebingen
Classification: Likely benign. Last evaluated: 2026-06-01. Review status: criteria provided, single submitter. Criteria: CeGaT Center For Human Genetics Tuebingen Variant Classification Criteria Version 2. Collection method: clinical testing. Allele origin: germline. Affected: yes. Observed: 1 variant allele.
Comment: GABBR2: BP4, BP7

Labcorp Genetics (formerly Invitae), Labcorp
Classification: Likely benign for Epileptic encephalopathy. Last evaluated: 2026-01-14. Review status: criteria provided, single submitter. Criteria: Invitae Variant Classification Sherloc (09022015). Collection method: clinical testing. Allele origin: germline.

GeneDx
Classification: Likely benign. Last evaluated: 2021-04-16. Review status: criteria provided, single submitter. Criteria: GeneDx Variant Classification Process June 2021. Collection method: clinical testing. Allele origin: germline. Affected: yes.

NM_005458.8(GABBR2):c.201G>A (p.Glu67=)

Gene: GABBR2 (gamma-aminobutyric acid type B receptor subunit 2; minus strand). Cytogenetic location: 9q22.33.
Variant type: single nucleotide variant.
Coding change: c.201G>A on transcript NM_005458.8 (MANE Select); coding-DNA position 201, G replaced by A.
Protein change: p.Glu67=; no amino-acid change (glutamic acid 67 retained).
Molecular consequence: synonymous variant.
Genome position (GRCh38, 1-based): chr9:98,708,537, C>T on the plus strand (G>A on the coding strand, the complement: GABBR2 is on the minus strand). VCF-style: chr9-98708537-C-T. GRCh37 (hg19) VCF-style: chr9-101470819-C-T.
Identifiers: ClinVar variation 531163 (VCV000531163.16), dbSNP rs145012175, ClinGen allele CA5153052.
Genomic context (GRCh38, chr9:98,708,537, plus strand): 5'-CTGCTCGATGGCCAGTTCCACGGCGGGGAGCACACCGCGCCCGATGCTGCCCTTGGCCAC[C>T]TCCTTGGTGAGCGGCATGAGGCCCATGATGGAGAGCGGCGGGCTGCTGGGCGGCGGCCGG-3'
Protein context (NP_005449.5, residues 57-77): SIMGLMPLTK[Glu67=]VAKGSIGRGV